The following is an entry in ClinVar:

NM_001754.5(RUNX1):c.1092CGGCAT[1] (p.364IG[1])

Gene: RUNX1 (RUNX family transcription factor 1; minus strand). Cytogenetic location: 21q22.12.
Variant type: Microsatellite.
Coding change: c.1092CGGCAT[1] on transcript NM_001754.5 (MANE Select); one copy of the 6-base unit CGGCAT starting at c.1092; the reference has two copies in a row; one copy, 6 bases deleted.
Protein change: p.364IG[1].
Molecular consequence: inframe deletion.
Genome position (GRCh38, 1-based): chr21:34,792,475-34,792,480, ATGCCG deleted on the plus strand (CGGCAT on the coding strand, the reverse complement: RUNX1 is on the minus strand); deleting any 6 consecutive bases within chr21:34,792,475-34,792,491 gives the same sequence; the position shown is the placement nearest the transcript's 3' end. VCF-style (leftmost placement, unchanged base first): chr21-34792474-CATGCCG-C. GRCh37 (hg19) VCF-style: chr21-36164771-CATGCCG-C.
Other names: NM_001754.5(RUNX1):c.1092CGGCAT[1]; p.364IG[1]; c.1011CGGCAT[1], p.337IG[1] (NM_001001890.3); c.1098_1103delCGGCAT (NM_001754.4).
Identifiers: ClinVar variation 971769 (VCV000971769.9), dbSNP rs750495319, ClinGen allele CA10014202.
Genomic context (GRCh38, chr21:34,792,474, plus strand): 5'-CGAGCCGGGGTAGGGCGGCGGCAGGTAGGTGTGGTAGCGCGTGGCCGAGCCCATGGCCGA[CATGCCG>C]ATGCCGATGCCCGAGGTGACCGGCGTCGGGGAGTAGGTGAAGGCGCCTGGATAGTGCATG-3'

ClinVar aggregate classification (germline): Uncertain significance. Review status: reviewed by expert panel (3 of 4 stars). 3 submissions from 3 submitters: Uncertain significance (1). 2 of the submissions do not count toward it. Last evaluated 2024-09-18.

Conditions:
Hereditary thrombocytopenia and hematological cancer predisposition syndrome associated with RUNX1. Also called: Familial Platelet Disorder with Propensity to Acute Myelogenous Leukemia; Familial thrombocytopenia with propensity to acute myelogenous leukemia; RUNX1 Familial Platelet Disorder with Associated Myeloid Malignancies; PLATELET DISORDER, ASPIRIN-LIKE. Identifiers: Orphanet 71290, MedGen C1832388, MeSH C563324, MONDO:0100083, OMIM 601399.
Hereditary thrombocytopenia and hematologic cancer predisposition syndrome. Identifiers: Orphanet 71290, MedGen CN281654, MONDO:0011071.
Inborn genetic diseases. Identifiers: MedGen C0950123, MeSH D030342.

Submissions (3):

ClinGen Myeloid Malignancy Variant Curation Expert Panel
Classification: Uncertain significance for Hereditary thrombocytopenia and hematologic cancer predisposition syndrome. Last evaluated: 2024-09-18. Review status: reviewed by expert panel. Criteria: ClinGen MyeloMalig ACMG Specifications v2. Collection method: curation. Allele origin: germline. Inheritance: Autosomal dominant inheritance.
Comment: NM_001754.5(RUNX1):c.1098_1103del p.(Ile366_Gly367del) is an inframe deletion which does not meet any ACMG/AMP criteria. In summary, the clinical significance of this variant is uncertain. ACMG/AMP criteria applied, as specified by the Myeloid Malignancy Variant Curation Expert Panel for RUNX1: None.

Labcorp Genetics (formerly Invitae), Labcorp
Classification: Uncertain significance for Hereditary thrombocytopenia and hematological cancer predisposition syndrome associated with RUNX1. Last evaluated: 2025-08-27. Review status: criteria provided, single submitter. Criteria: Invitae Variant Classification Sherloc (09022015). Collection method: clinical testing. Allele origin: germline. Not counted in ClinVar's aggregate classification.
Comment: This variant, c.1098_1103del, results in the deletion of 2 amino acid(s) of the RUNX1 protein (p.Ile366_Gly367del), but otherwise preserves the integrity of the reading frame. This variant is present in population databases (rs756287155, gnomAD 0.001%). This variant has been observed in individual(s) with acute myeloid leukemia (PMID: 23753029). ClinVar contains an entry for this variant (Variation ID: 971769). Experimental studies and prediction algorithms are not available or were not evaluated, and the functional significance of this variant is currently unknown. In summary, the available evidence is currently insufficient to determine the role of this variant in disease. Therefore, it has been classified as a Variant of Uncertain Significance.

Ambry Genetics
Classification: Uncertain significance for Inborn genetic diseases. Last evaluated: 2025-04-15. Review status: criteria provided, single submitter. Criteria: Ambry Variant Classification Scheme 2023. Collection method: clinical testing. Allele origin: germline. Not counted in ClinVar's aggregate classification.
Comment: The c.1098_1103delCGGCAT variant (also known as p.I366_G367del) is located in coding exon 8 of the RUNX1 gene. This variant results from an in-frame CGGCAT deletion at nucleotide positions 1098 to 1103. This results in the in-frame deletion of two amino acids (IG) at codons 366 and 367. These amino acid positions are well conserved in available vertebrate species. In addition, this alteration is predicted to be deleterious by in silico analysis (Choi Y et al. PLoS ONE. 2012; 7(10):e46688). Based on the available evidence, the clinical significance of this variant remains unclear.

Literature cited by the submitters: PubMed 23753029 (cited by Labcorp Genetics (formerly Invitae), Labcorp and Ambry Genetics).